The following is an entry in ClinVar:

ClinVar aggregate classification (germline): Likely pathogenic (1 of 4 stars; one submission).

Conditions:
Leber congenital amaurosis 8 (LCA8). Identifiers: Orphanet 65, MedGen C3151202, MONDO:0013453, OMIM 613835.
Retinitis pigmentosa 12 (RP12). Also called: RP WITH OR WITHOUT PPRPE; RP WITH OR WITHOUT PRESERVED PARAARTERIOLE RETINAL PIGMENT EPITHELIUM; RETINITIS PIGMENTOSA WITH OR WITHOUT PARAARTERIOLAR PRESERVATION OF RETINAL PIGMENT EPITHELIUM. Identifiers: Orphanet 791, MedGen C1838647, MONDO:0010818, OMIM 600105.

gnomAD v4.1: 2 of 1,614,112 alleles (0.00012%); highest among the groups gnomAD compares: Non-Finnish European, 0.00017%; no homozygotes.

Submission:

Labcorp Genetics (formerly Invitae), Labcorp
Classification: Likely pathogenic for Leber congenital amaurosis 8; Retinitis pigmentosa 12. Last evaluated: 2025-12-03. Review status: criteria provided, single submitter. Criteria: Invitae Variant Classification Sherloc (09022015). Collection method: clinical testing. Allele origin: germline.
Comment: This sequence change replaces glycine, which is neutral and non-polar, with valine, which is neutral and non-polar, at codon 333 of the CRB1 protein (p.Gly333Val). This variant is not present in population databases (gnomAD no frequency). This variant has not been reported in the literature in individuals affected with CRB1-related conditions. Invitae Evidence Modeling of protein sequence and biophysical properties (such as structural, functional, and spatial information, amino acid conservation, physicochemical variation, residue mobility, and thermodynamic stability) indicates that this missense variant is expected to disrupt CRB1 protein function with a positive predictive value of 95%. This variant disrupts the p.Gly333 amino acid residue in CRB1. Other variant(s) that disrupt this residue have been determined to be pathogenic (PMID: 21602930; internal data). This suggests that this residue is clinically significant, and that variants that disrupt this residue are likely to be disease-causing. In summary, the currently available evidence indicates that the variant is pathogenic, but additional data are needed to prove that conclusively. Therefore, this variant has been classified as Likely Pathogenic.

Literature cited by the submitters: PubMed 21602930.

NM_201253.3(CRB1):c.998G>T (p.Gly333Val)

Gene: CRB1 (crumbs cell polarity complex component 1; plus strand). Cytogenetic location: 1q31.3.
Variant type: single nucleotide variant.
Coding change: c.998G>T on transcript NM_201253.3 (MANE Select); coding-DNA position 998, G replaced by T.
Protein change: p.Gly333Val; replaces glycine 333 with valine.
Molecular consequence: missense variant. On other transcripts: non-coding transcript variant (2).
Genome position (GRCh38, 1-based): chr1:197,356,840, G>T. VCF-style: chr1-197356840-G-T. GRCh37 (hg19) VCF-style: chr1-197325970-G-T.
Other names: c.662G>T, p.Gly221Val (NM_001193640.2); c.791G>T, p.Gly264Val (NM_001257965.2); c.998G>T, p.Gly333Val (NM_001257966.2); short protein forms G221V, G333V, G264V.
Identifiers: ClinVar variation 4787782 (VCV004787782.1).